The following is an entry in ClinVar:

NM_021147.5(CCNO):c.538dup (p.Val180fs)

Gene: CCNO (cyclin O; minus strand). Cytogenetic location: 5q11.2.
Variant type: Duplication.
Coding change: c.538dup on transcript NM_021147.5 (MANE Select); coding-DNA position 538, one base duplicated (G; older notation c.538dupG).
Protein change: p.Val180fs; shifts the reading frame from valine 180.
Molecular consequence: frameshift variant. On other transcripts: non-coding transcript variant (3).
Genome position (GRCh38, 1-based): chr5:55,232,390, C duplicated on the plus strand (G on the coding strand, the reverse complement: CCNO is on the minus strand); the first of 4 consecutive C bases (chr5:55,232,390-55,232,393); duplicating any one gives the same sequence. VCF-style (leftmost placement, unchanged base first): chr5-55232389-A-AC. GRCh37 (hg19) VCF-style: chr5-54528217-A-AC.
Other names: c.538dupG (NM_021147.4); short protein forms V180fs.
Identifiers: ClinVar variation 525368 (VCV000525368.14), dbSNP rs774393276, ClinGen allele CA3266746.

ClinVar aggregate classification (germline): Pathogenic/Likely pathogenic. Review status: criteria provided, multiple submitters, no conflicts (2 of 4 stars). 3 submissions from 3 submitters: Pathogenic (2); Likely pathogenic (1). Last evaluated 2026-02-15.

Conditions:
CCNO-related disorder. Also called: CCNO-related condition.
Primary ciliary dyskinesia. Also called: Ciliary dyskinesia. Identifiers: Orphanet 244, MedGen C0008780, MONDO:0016575, HP:0012265.

Submissions (3):

GeneDx
Classification: Likely pathogenic. Last evaluated: 2026-02-15. Review status: criteria provided, single submitter. Criteria: GeneDx Variant Classification Process June 2021. Collection method: clinical testing. Allele origin: germline. Affected: yes.
Comment: Frameshift variant predicted to result in abnormal protein length as the last 171 amino acid(s) are replaced with 54 different amino acid(s), and other similar variants have been reported in HGMD; This variant is associated with the following publications: (PMID: 31879361, 34210339)

Labcorp Genetics (formerly Invitae), Labcorp
Classification: Pathogenic for Primary ciliary dyskinesia. Last evaluated: 2025-07-21. Review status: criteria provided, single submitter. Criteria: Invitae Variant Classification Sherloc (09022015). Collection method: clinical testing. Allele origin: germline.
Comment: This sequence change creates a premature translational stop signal (p.Val180Glyfs*55) in the CCNO gene. While this is not anticipated to result in nonsense mediated decay, it is expected to disrupt the last 171 amino acid(s) of the CCNO protein. This variant is present in population databases (rs774393276, gnomAD 0.004%). This premature translational stop signal has been observed in individual(s) with primary ciliary dyskinesia (internal data database). In at least one individual the data is consistent with being in trans (on the opposite chromosome) from a pathogenic variant. ClinVar contains an entry for this variant (Variation ID: 525368). For these reasons, this variant has been classified as Pathogenic.

Blueprint Genetics
Classification: Pathogenic for CCNO-related disorders. Last evaluated: 2023-11-15. Review status: criteria provided, single submitter. Criteria: ACMG Guidelines, 2015. Collection method: clinical testing. Allele origin: germline. Affected: yes. Observed: 5 variant alleles.